The following is an entry in ClinVar:

ClinVar aggregate classification (germline): Uncertain significance (1 of 4 stars; one submission).

Conditions:
Cardiovascular phenotype. Identifiers: MedGen CN230736.

Allele frequency attached by ClinVar (database versions not stated): gnomAD 0.00001; gnomAD exomes 0.00001; ExAC 0.00002; TOPMed 0.00002.
gnomAD v4.1: 24 of 1,613,866 alleles (0.0015%); highest among the groups gnomAD compares: Middle Eastern, 0.066%; no homozygotes.

Submission:

Ambry Genetics
Classification: Uncertain significance for Cardiovascular phenotype. Last evaluated: 2024-04-11. Review status: criteria provided, single submitter. Criteria: Ambry Variant Classification Scheme 2023. Collection method: clinical testing. Allele origin: germline.
Comment: The p.R4Q variant (also known as c.11G>A), located in coding exon 1 of the APOC2 gene, results from a G to A substitution at nucleotide position 11. The arginine at codon 4 is replaced by glutamine, an amino acid with highly similar properties. This amino acid position is conserved. In addition, the in silico prediction for this alteration is inconclusive. Since supporting evidence is limited at this time, the clinical significance of this alteration remains unclear.

NM_000483.5(APOC2):c.11G>A (p.Arg4Gln)

Genes: APOC2 (apolipoprotein C2; plus strand), APOC4-APOC2 (APOC4-APOC2 readthrough (NMD candidate); plus strand). Cytogenetic location: 19q13.32.
Variant type: single nucleotide variant.
Coding change: c.11G>A on transcript NM_000483.5 (MANE Select); coding-DNA position 11, G replaced by A.
Protein change: p.Arg4Gln; replaces arginine 4 with glutamine.
Molecular consequence: missense variant. On other transcripts: non-coding transcript variant (1).
Genome position (GRCh38, 1-based): chr19:44,948,489, G>A. VCF-style: chr19-44948489-G-A. GRCh37 (hg19) VCF-style: chr19-45451746-G-A.
Other names: short protein forms R4Q.
Identifiers: ClinVar variation 1747123 (VCV001747123.3), dbSNP rs750459826, ClinGen allele CA9506569.